The following is an entry in ClinVar:

NM_152263.4(TPM3):c.483G>A (p.Arg161=)

Gene: TPM3 (tropomyosin 3; minus strand). Cytogenetic location: 1q21.3.
Variant type: single nucleotide variant.
Coding change: c.483G>A on transcript NM_152263.4 (MANE Select); coding-DNA position 483, G replaced by A.
Protein change: p.Arg161=; no amino-acid change (arginine 161 retained).
Molecular consequence: synonymous variant. On other transcripts: non-coding transcript variant (1).
Genome position (GRCh38, 1-based): chr1:154,173,096, C>T on the plus strand (G>A on the coding strand, the complement: TPM3 is on the minus strand). VCF-style: chr1-154173096-C-T. GRCh37 (hg19) VCF-style: chr1-154145572-C-T.
Other names: c.372G>A, p.Arg124= (NM_001043351.2, NM_001043352.2, NM_001043353.2 and 5 more transcripts); c.174G>A, p.Arg58= (NM_001278188.2); c.102G>A, p.Arg34= (NM_001278191.2); c.483G>A, p.Arg161= (NM_001364679.2, NM_001364680.2, NM_001364681.2 and 1 more transcripts).
Identifiers: ClinVar variation 531182 (VCV000531182.13), dbSNP rs150586027, ClinGen allele CA1125708.
Genomic context (GRCh38, chr1:154,173,096, plus strand): 5'-TGCTTTGTAAAAGGCCGATACGAGAGGGACTAACAGAAGGTCACTTACCTCTTCATACTT[C>T]CTATCTGCCTCTTCTGCAATGTGCTTAGCTTCTTTGAGTTGGATTTCCTGGAGTTCCATC-3'
Protein context (NP_689476.2, residues 151-171): EAKHIAEEAD[Arg161=]KYEEVARKLV

ClinVar aggregate classification (germline): Likely benign. Review status: criteria provided, single submitter (1 of 4 stars). 2 submissions from 2 submitters: Likely benign (1). 1 of the submissions does not count toward it. Last evaluated 2024-02-17.

Conditions:
Congenital myopathy 4B, autosomal recessive. Also called: Nemaline myopathy 1, autosomal dominant or recessive. Identifiers: Orphanet 171433, Orphanet 171439, Orphanet 171881, MedGen C5829889, MONDO:0012239, OMIM 609284.
Congenital myopathy with fiber type disproportion. Also called: Congenital fiber-type disproportion; Congenital fiber-type disproportion myopathy. Identifiers: Orphanet 2020, MedGen C0546264, MONDO:0009711. Inheritance: all.
TPM3-related disorder. Also called: TPM3-related condition.

Allele frequency attached by ClinVar (database versions not stated): ExAC 0.00002; TOPMed 0.00004; ESP Exome Variant Server 0.00023; gnomAD exomes below 0.00001 and 0.00001; gnomAD 0.00001.
gnomAD v4.1: 7 of 1,614,106 alleles (0.00043%); highest among the groups gnomAD compares: African/African-American, 0.0093%; no homozygotes.

Submissions (2):

Labcorp Genetics (formerly Invitae), Labcorp
Classification: Likely benign for Congenital myopathy with fiber type disproportion; Congenital myopathy 4B, autosomal recessive. Last evaluated: 2024-02-17. Review status: criteria provided, single submitter. Criteria: Invitae Variant Classification Sherloc (09022015). Collection method: clinical testing. Allele origin: germline.

PreventionGenetics, part of Exact Sciences
Classification: Likely benign for TPM3-related condition. Last evaluated: 2019-08-13. Review status: no assertion criteria provided. Collection method: clinical testing. Allele origin: germline. Not counted in ClinVar's aggregate classification.
Comment: This variant is classified as likely benign based on ACMG/AMP sequence variant interpretation guidelines (Richards et al. 2015 PMID: 25741868, with internal and published modifications).